The following is an entry in ClinVar:

NM_000038.6(APC):c.5854C>A (p.Gln1952Lys)

Gene: APC (APC regulator of Wnt signaling pathway; plus strand). Cytogenetic location: 5q22.2.
Variant type: single nucleotide variant.
Coding change: c.5854C>A on transcript NM_000038.6 (MANE Select); coding-DNA position 5854, C replaced by A.
Protein change: p.Gln1952Lys; replaces glutamine 1952 with lysine.
Molecular consequence: missense variant.
Genome position (GRCh38, 1-based): chr5:112,841,448, C>A. VCF-style: chr5-112841448-C-A. GRCh37 (hg19) VCF-style: chr5-112177145-C-A.
Other names: c.5854C>A, p.Gln1952Lys (NM_001127510.3, NM_001354895.2); c.5800C>A, p.Gln1934Lys (NM_001127511.3); c.5908C>A, p.Gln1970Lys (NM_001354896.2); c.5884C>A, p.Gln1962Lys (NM_001354897.2); c.5779C>A, p.Gln1927Lys (NM_001354898.2); c.5770C>A, p.Gln1924Lys (NM_001354899.2); c.5731C>A, p.Gln1911Lys (NM_001354900.2); c.5677C>A, p.Gln1893Lys (NM_001354901.2); and 5 more; short protein forms Q1826K, Q1851K, Q1924K, Q1669K, Q1861K, Q1893K, Q1927K, Q1962K.
Identifiers: ClinVar variation 1517220 (VCV001517220.8), dbSNP rs1166934042, ClinGen allele CA16034136.
Genomic context (GRCh38, chr5:112,841,448, plus strand): 5'-ACTTTTCCCCAGTCATCCAAAGACATACCAGACAGAGGGGCAGCAACTGATGAAAAGTTA[C>A]AGAATTTTGCTATTGAAAATACTCCGGTTTGCTTTTCTCATAATTCCTCTCTGAGTTCTC-3'
Protein context (NP_000029.2, residues 1942-1962): DRGAATDEKL[Gln1952Lys]NFAIENTPVC

ClinVar aggregate classification (germline): Uncertain significance (1 of 4 stars; one submission).

Conditions:
Familial adenomatous polyposis 1 (FAP1). Also called: FAMILIAL ADENOMATOUS POLYPOSIS 1, ATTENUATED; POLYPOSIS, ADENOMATOUS INTESTINAL. Identifiers: MedGen C2713442, MONDO:0021056, OMIM 175100. Disease mechanism: loss of function.

Submission:

Labcorp Genetics (formerly Invitae), Labcorp
Classification: Uncertain significance for Familial adenomatous polyposis 1. Last evaluated: 2020-11-24. Review status: criteria provided, single submitter. Criteria: Invitae Variant Classification Sherloc (09022015). Collection method: clinical testing. Allele origin: germline.
Comment: This variant is not present in population databases (ExAC no frequency). In summary, the available evidence is currently insufficient to determine the role of this variant in disease. Therefore, it has been classified as a Variant of Uncertain Significance. Algorithms developed to predict the effect of missense changes on protein structure and function are either unavailable or do not agree on the potential impact of this missense change (SIFT: "Tolerated"; PolyPhen-2: "Possibly Damaging"; Align-GVGD: "Class C0"). This variant has not been reported in the literature in individuals with APC-related conditions. This sequence change replaces glutamine with lysine at codon 1952 of the APC protein (p.Gln1952Lys). The glutamine residue is highly conserved and there is a small physicochemical difference between glutamine and lysine.